The following is an entry in ClinVar:

NM_001378454.1(ALMS1):c.2950A>G (p.Ile984Val)

Gene: ALMS1 (ALMS1 centrosome and basal body associated protein; plus strand). Cytogenetic location: 2p13.1.
Variant type: single nucleotide variant.
Coding change: c.2950A>G on transcript NM_001378454.1 (MANE Select); coding-DNA position 2950, A replaced by G.
Protein change: p.Ile984Val; replaces isoleucine 984 with valine.
Molecular consequence: missense variant.
Genome position (GRCh38, 1-based): chr2:73,449,477, A>G. VCF-style: chr2-73449477-A-G. GRCh37 (hg19) VCF-style: chr2-73676604-A-G.
Other names: c.2953A>G, p.Ile985Val (NM_015120.4); short protein forms I985V, I984V.
Identifiers: ClinVar variation 1931991 (VCV001931991.3), dbSNP rs781184938, ClinGen allele CA1713438.

ClinVar aggregate classification (germline): Uncertain significance (1 of 4 stars; one submission).

Conditions:
Alstrom syndrome (ALMS). Identifiers: Orphanet 64, MedGen C0268425, MONDO:0008763, OMIM 203800.

Allele frequency attached by ClinVar (database versions not stated): ExAC 0.00001; gnomAD 0.00001; gnomAD exomes 0.00001.
gnomAD v4.1: 12 of 1,613,908 alleles (0.00074%); highest among the groups gnomAD compares: East Asian, 0.0022%; no homozygotes.

Submission:

Labcorp Genetics (formerly Invitae), Labcorp
Classification: Uncertain significance for Alstrom syndrome. Last evaluated: 2025-07-13. Review status: criteria provided, single submitter. Criteria: Invitae Variant Classification Sherloc (09022015). Collection method: clinical testing. Allele origin: germline.
Comment: This sequence change replaces isoleucine, which is neutral and non-polar, with valine, which is neutral and non-polar, at codon 985 of the ALMS1 protein (p.Ile985Val). This variant is present in population databases (rs781184938, gnomAD 0.003%). This variant has not been reported in the literature in individuals affected with ALMS1-related conditions. ClinVar contains an entry for this variant (Variation ID: 1931991). Experimental studies and prediction algorithms are not available or were not evaluated, and the functional significance of this variant is currently unknown. In summary, the available evidence is currently insufficient to determine the role of this variant in disease. Therefore, it has been classified as a Variant of Uncertain Significance.